The following is an entry in ClinVar:

ClinVar aggregate classification (germline): Uncertain significance (1 of 4 stars; one submission).

Allele frequency attached by ClinVar (database versions not stated): gnomAD 0.00001.
gnomAD v4.1: 1 of 1,610,802 alleles (0.000062%); highest among the groups gnomAD compares: African/African-American, 0.0013%; no homozygotes.

Submission:

Labcorp Genetics (formerly Invitae), Labcorp
Classification: Uncertain significance. Last evaluated: 2025-07-14. Review status: criteria provided, single submitter. Criteria: Invitae Variant Classification Sherloc (09022015). Collection method: clinical testing. Allele origin: germline.
Comment: This sequence change replaces lysine, which is basic and polar, with arginine, which is basic and polar, at codon 137 of the EPHB4 protein (p.Lys137Arg). This variant is not present in population databases (gnomAD no frequency). This variant has not been reported in the literature in individuals affected with EPHB4-related conditions. ClinVar contains an entry for this variant (Variation ID: 2059437). Invitae Evidence Modeling of protein sequence and biophysical properties (such as structural, functional, and spatial information, amino acid conservation, physicochemical variation, residue mobility, and thermodynamic stability) has been performed for this missense variant. However, the output from this modeling did not meet the statistical confidence thresholds required to predict the impact of this variant on EPHB4 protein function. Algorithms developed to predict the effect of sequence changes on RNA splicing suggest that this variant may disrupt the consensus splice site. In summary, the available evidence is currently insufficient to determine the role of this variant in disease. Therefore, it has been classified as a Variant of Uncertain Significance.

NM_004444.5(EPHB4):c.410A>G (p.Lys137Arg)

Gene: EPHB4 (EPH receptor B4; minus strand). Cytogenetic location: 7q22.1.
Variant type: single nucleotide variant.
Coding change: c.410A>G on transcript NM_004444.5 (MANE Select); coding-DNA position 410, A replaced by G.
Protein change: p.Lys137Arg; replaces lysine 137 with arginine.
Molecular consequence: missense variant.
Genome position (GRCh38, 1-based): chr7:100,823,645, T>C on the plus strand (A>G on the coding strand, the complement: EPHB4 is on the minus strand). VCF-style: chr7-100823645-T-C. GRCh37 (hg19) VCF-style: chr7-100421267-T-C.
Other names: short protein forms K137R.
Identifiers: ClinVar variation 2059437 (VCV002059437.4), dbSNP rs1813296662, ClinGen allele CA368582278.
Genomic context (GRCh38, chr7:100,823,645, plus strand): 5'-GGGCCTGCTGGCTGGAATCCCACCTTGGCTGTGGCTGAGCCCTGGGGGCACCCAGGTACC[T>C]TGATGTAGGGGTTCTCCATCCAGGCTGGCGTGAGGGCCGTGGCCGTGTCCGCATCGCTCT-3'
Protein context (NP_004435.3, residues 127-147): TPAWMENPYI[Lys137Arg]VDTVAAEHLT